The following is an entry in ClinVar:

NM_001039141.3(TRIOBP):c.202A>T (p.Thr68Ser)

Gene: TRIOBP (TRIO and F-actin binding protein; plus strand). Cytogenetic location: 22q13.1.
Variant type: single nucleotide variant.
Coding change: c.202A>T on transcript NM_001039141.3 (MANE Select); coding-DNA position 202, A replaced by T.
Protein change: p.Thr68Ser; replaces threonine 68 with serine.
Molecular consequence: missense variant.
Genome position (GRCh38, 1-based): chr22:37,710,514, A>T. VCF-style: chr22-37710514-A-T. GRCh37 (hg19) VCF-style: chr22-38106521-A-T.
Other names: short protein forms T68S.
Identifiers: ClinVar variation 165581 (VCV000165581.5), dbSNP rs200529550, ClinGen allele CA178321.

ClinVar aggregate classification (germline): Uncertain significance (1 of 4 stars; one submission).

Submission:

Laboratory for Molecular Medicine, Mass General Brigham Personalized Medicine
Classification: Uncertain significance. Last evaluated: 2013-11-26. Review status: criteria provided, single submitter. Criteria: LMM Criteria. Collection method: clinical testing. Allele origin: germline. Observed: 1 variant allele.
Comment: Variant classified as Uncertain Significance - Favor Benign. The Thr68Ser varian t in TRIOBP has not been previously reported in individuals with hearing loss. F requency data from large population studies is insufficient. Computational analy ses (biochemical amino acid properties, conservation, AlignGVGD, PolyPhen2, and SIFT) suggest that the Thr68Ser variant may not impact the protein, though this information is not predictive enough to rule out pathogenicity. In summary, the clinical significance of this variant cannot be determined with certainty; howev er based upon the arguments described above, we would lean towards a more likely benign role.